The following is an entry in ClinVar:

NM_000540.3(RYR1):c.7500G>A (p.Ala2500=)

Gene: RYR1 (ryanodine receptor 1; plus strand). Cytogenetic location: 19q13.2.
Variant type: single nucleotide variant.
Coding change: c.7500G>A on transcript NM_000540.3 (MANE Select); coding-DNA position 7500, G replaced by A.
Protein change: p.Ala2500=; no amino-acid change (alanine 2500 retained).
Molecular consequence: synonymous variant.
Genome position (GRCh38, 1-based): chr19:38,500,876, G>A. VCF-style: chr19-38500876-G-A. GRCh37 (hg19) VCF-style: chr19-38991516-G-A.
Other names: p.Ala2500=; c.7500G>A, p.Ala2500= (NM_001042723.2).
Identifiers: ClinVar variation 93287 (VCV000093287.36), dbSNP rs2228072, ClinGen allele CA024810.

ClinVar aggregate classification (germline): Benign. Review status: criteria provided, multiple submitters, no conflicts (2 of 4 stars). 17 submissions from 13 submitters: Benign (15). 2 of the submissions do not count toward it. Last evaluated 2026-02-04.

Conditions:
RYR1-related disorder. Also called: RYR1-related condition; RYR1-related disorders. Identifiers: MedGen CN239331.
King Denborough syndrome (KDS). Identifiers: MedGen C1840365, MONDO:0020485, OMIM 619542.
Central core myopathy (CMYO1A). Also called: CONGENITAL MYOPATHY 1A, AUTOSOMAL DOMINANT, WITH SUSCEPTIBILITY TO MALIGNANT HYPERTHERMIA; Central core disease; Myopathy, central fibrillar. Identifiers: Orphanet 597, MedGen C5830701, MONDO:0007294, OMIM 117000.
Malignant hyperthermia, susceptibility to, 1 (MHS1). Also called: RYR1-Related Malignant Hyperthermia Susceptibility; Malignant hyperthermia suceptibility 1; Anesthesia related hyperthermia; Malignant hyperpyrexia; Fulminating hyperpyrexia; Pharmacogenic myopathy. Identifiers: Orphanet 423, MedGen C2930980, MONDO:0007783, OMIM 145600.
Congenital multicore myopathy with external ophthalmoplegia (CMYO1B). Also called: Congenital myopathy 1B, autosomal recessive; Minicore myopathy; Minicore myopathy with external ophthalmoplegia; MULTIMINICORE DISEASE WITH EXTERNAL OPHTHALMOPLEGIA; MULTICORE MYOPATHY. Identifiers: Orphanet 598, Orphanet 98905, MedGen C1850674, MONDO:0009712, OMIM 255320, HP:0003789.

Allele frequency attached by ClinVar (database versions not stated): gnomAD 0.09736 and 0.10182; ESP Exome Variant Server 0.09757; gnomAD exomes 0.09820 and 0.10990; ExAC 0.11401; TOPMed 0.10382; 1000 Genomes Project 30x 0.14350; 1000 Genomes Project 0.15076.
gnomAD v4.1: 159,394 of 1,613,846 alleles (9.9%); highest among the groups gnomAD compares: South Asian, 22%; 9,084 homozygotes.

Submissions (17):

Labcorp Genetics (formerly Invitae), Labcorp
Classification: Benign for RYR1-related disorder. Last evaluated: 2026-02-04. Review status: criteria provided, single submitter. Criteria: Invitae Variant Classification Sherloc (09022015). Collection method: clinical testing. Allele origin: germline.

Genome-Nilou Lab
Classification: Benign for Central core myopathy. Last evaluated: 2021-11-07. Review status: criteria provided, single submitter. Criteria: ACMG Guidelines, 2015. Collection method: clinical testing. Allele origin: germline. Affected: no.

Genome-Nilou Lab
Classification: Benign for King Denborough syndrome. Last evaluated: 2021-11-07. Review status: criteria provided, single submitter. Criteria: ACMG Guidelines, 2015. Collection method: clinical testing. Allele origin: germline. Affected: no.

Genome-Nilou Lab
Classification: Benign for Congenital multicore myopathy with external ophthalmoplegia. Last evaluated: 2021-11-07. Review status: criteria provided, single submitter. Criteria: ACMG Guidelines, 2015. Collection method: clinical testing. Allele origin: germline. Affected: no.

Color Diagnostics, LLC DBA Color Health
Classification: Benign for Malignant hyperthermia, susceptibility to, 1. Last evaluated: 2019-03-29. Review status: criteria provided, single submitter. Criteria: ACMG Guidelines, 2015. Collection method: clinical testing. Allele origin: germline.

PreventionGenetics, part of Exact Sciences
Classification: Benign. Last evaluated: 2018-04-02. Review status: criteria provided, single submitter. Criteria: ACMG Guidelines, 2015. Collection method: clinical testing. Allele origin: germline.

Illumina Laboratory Services, Illumina
Classification: Benign for Central core myopathy. Last evaluated: 2018-01-13. Review status: criteria provided, single submitter. Criteria: ICSL Variant Classification Criteria 13 December 2019. Collection method: clinical testing. Allele origin: germline.
Comment: This variant was observed in the ICSL laboratory as part of a predisposition screen in an ostensibly healthy population. It had not been previously curated by ICSL or reported in the Human Gene Mutation Database (HGMD: prior to June 1st, 2018), and was therefore a candidate for classification through an automated scoring system. Utilizing variant allele frequency, disease prevalence and penetrance estimates, and inheritance mode, an automated score was calculated to assess if this variant is too frequent to cause the disease. Based on the score and internal cut-off values, a variant classified as benign is not then subjected to further curation. The score for this variant resulted in a classification of benign for this disease.

Illumina Laboratory Services, Illumina
Classification: Benign for Malignant hyperthermia, susceptibility to, 1. Last evaluated: 2018-01-13. Review status: criteria provided, single submitter. Criteria: ICSL Variant Classification Criteria 13 December 2019. Collection method: clinical testing. Allele origin: germline.
Comment: the same text as in the submission from Illumina Laboratory Services, Illumina above.

Illumina Laboratory Services, Illumina
Classification: Benign for Congenital multicore myopathy with external ophthalmoplegia. Last evaluated: 2018-01-13. Review status: criteria provided, single submitter. Criteria: ICSL Variant Classification Criteria 13 December 2019. Collection method: clinical testing. Allele origin: germline.
Comment: the same text as in the submission from Illumina Laboratory Services, Illumina above.

Mayo Clinic Laboratories, Mayo Clinic
Classification: Benign. Last evaluated: 2017-07-24. Review status: criteria provided, single submitter. Criteria: ACMG Guidelines, 2015. Collection method: clinical testing. Allele origin: germline. Observed: 151 variant alleles.

GeneDx
Classification: Benign. Last evaluated: 2016-02-08. Review status: criteria provided, single submitter. Criteria: GeneDx Variant Classification (06012015). Collection method: clinical testing. Allele origin: germline. Affected: yes.
Comment: This variant is considered likely benign or benign based on one or more of the following criteria: it is a conservative change, it occurs at a poorly conserved position in the protein, it is predicted to be benign by multiple in silico algorithms, and/or has population frequency not consistent with disease.

Laboratory for Molecular Medicine, Mass General Brigham Personalized Medicine
Classification: Benign. Last evaluated: 2015-01-13. Review status: criteria provided, single submitter. Criteria: LMM Criteria. Collection method: clinical testing. Allele origin: germline. Observed: 2 variant alleles.
Comment: p.Ala2500Ala in exon 47 of RYR1: This variant is not expected to have clinical s ignificance because it does not alter an amino acid residue and is not located w ithin the splice consensus sequence. It has been identified in 12.0% (527/4406) of African American chromosomes from a broad population by the NHLBI Exome Seque ncing Project (dbSNP rs2228072).

Eurofins Ntd Llc (ga)
Classification: Benign. Last evaluated: 2014-07-14. Review status: criteria provided, single submitter. Criteria: EGL Classification Definitions 2015. Collection method: clinical testing. Allele origin: germline. Observed: 10 variant alleles, 10 heterozygotes.

Genetic Services Laboratory, University of Chicago
Classification: Benign. Last evaluated: 2013-02-08. Review status: criteria provided, single submitter. Criteria: ACMG Guidelines, 2007. Collection method: clinical testing. Allele origin: germline. Inheritance: Autosomal unknown.

Breakthrough Genomics
Classification: Benign. Review status: criteria provided, single submitter. Criteria: ACMG Guidelines, 2015. Collection method: not provided. Allele origin: germline. Inheritance: Autosomal recessive inheritance. Affected: yes.

Clinical Genetics, Academic Medical Center
Classification: Benign. Review status: no assertion criteria provided. Collection method: clinical testing. Allele origin: germline. Affected: yes. Study: VKGL Data-share Consensus. Not counted in ClinVar's aggregate classification.

Joint Genome Diagnostic Labs from Nijmegen and Maastricht, Radboudumc and MUMC+
Classification: Benign. Review status: no assertion criteria provided. Collection method: clinical testing. Allele origin: germline. Affected: yes. Study: VKGL Data-share Consensus. Not counted in ClinVar's aggregate classification.